The following is an entry in ClinVar:

NM_007294.4(BRCA1):c.2140A>C (p.Asn714His)

Gene: BRCA1 (BRCA1 DNA repair associated; minus strand). Cytogenetic location: 17q21.31.
Variant type: single nucleotide variant.
Coding change: c.2140A>C on transcript NM_007294.4 (MANE Select); coding-DNA position 2140, A replaced by C.
Protein change: p.Asn714His; replaces asparagine 714 with histidine.
Molecular consequence: missense variant. On other transcripts: intron variant (137).
Genome position (GRCh38, 1-based): chr17:43,093,391, T>G on the plus strand (A>C on the coding strand, the complement: BRCA1 is on the minus strand). VCF-style: chr17-43093391-T-G. GRCh37 (hg19) VCF-style: chr17-41245408-T-G.
Other names: c.1999A>C, p.Asn667His (NM_001407725.1, NM_001407726.1, NM_001407727.1 and 29 more transcripts); c.1996A>C, p.Asn666His (NM_001407740.1, NM_001407741.1, NM_001407742.1 and 20 more transcripts); c.1927A>C, p.Asn643His (NM_001407853.1, NM_001407894.1, NM_001407895.1 and 9 more transcripts); c.2140A>C, p.Asn714His (NM_001407854.1, NM_001407858.1, NM_001407859.1 and 30 more transcripts); c.2137A>C, p.Asn713His (NM_001407860.1, NM_001407861.1, NM_001407587.1 and 22 more transcripts); c.1939A>C, p.Asn647His (NM_001407862.1); c.2017A>C, p.Asn673His (NM_001407863.1, NM_001407919.1, NM_001407937.1 and 19 more transcripts); c.1936A>C, p.Asn646His (NM_001407874.1, NM_001407875.1); and 41 more; short protein forms N667H, N714H, N418H, N603H, N644H, N687H, N647H, N586H.
Identifiers: ClinVar variation 964322 (VCV000964322.15), dbSNP rs568312345, ClinGen allele CA10597726.

ClinVar aggregate classification (germline): Conflicting classifications of pathogenicity. Review status: criteria provided, conflicting classifications (1 of 4 stars). 3 submissions from 3 submitters: Uncertain significance (2); Likely benign (1). Last evaluated 2023-03-23.

Conditions:
Hereditary cancer-predisposing syndrome. Also called: Tumor predisposition; Hereditary neoplastic syndrome; Hereditary Cancer Syndrome; Neoplastic Syndromes, Hereditary. Identifiers: Orphanet 140162, MedGen C0027672, MeSH D009386, MONDO:0015356.
Hereditary breast ovarian cancer syndrome. Also called: BRCA1- and BRCA2-Associated Hereditary Breast and Ovarian Cancer; Hereditary breast and ovarian cancer; Hereditary breast and/or ovarian cancer syndrome; Hereditary breast and ovarian cancer syndrome; Hereditary breast and ovarian cancer syndrome (HBOC); Breast and ovarian cancer. Identifiers: Orphanet 145, MedGen C0677776, MeSH D061325, MONDO:0003582. Disease mechanism: loss of function.

Submissions (3):

University of Washington Department of Laboratory Medicine, University of Washington
Classification: Likely benign for Hereditary cancer-predisposing syndrome. Last evaluated: 2023-03-23. Review status: criteria provided, single submitter. Criteria: Dines et al. (Genet Med. 2020). Collection method: curation. Allele origin: germline.
Comment: Missense variant in a coldspot region where missense variants are very unlikely to be pathogenic (PMID:31911673).

BRCA1 coldspot (exon 11 using historical exon numbering). Reclassification based on statistical prior probability

Labcorp Genetics (formerly Invitae), Labcorp
Classification: Uncertain significance for Hereditary breast ovarian cancer syndrome. Last evaluated: 2022-08-21. Review status: criteria provided, single submitter. Criteria: Invitae Variant Classification Sherloc (09022015). Collection method: clinical testing. Allele origin: germline.
Comment: ClinVar contains an entry for this variant (Variation ID: 964322). Advanced modeling of protein sequence and biophysical properties (such as structural, functional, and spatial information, amino acid conservation, physicochemical variation, residue mobility, and thermodynamic stability) performed at Invitae indicates that this missense variant is not expected to disrupt BRCA1 protein function. In summary, the available evidence is currently insufficient to determine the role of this variant in disease. Therefore, it has been classified as a Variant of Uncertain Significance. This sequence change replaces asparagine, which is neutral and polar, with histidine, which is basic and polar, at codon 714 of the BRCA1 protein (p.Asn714His). This variant is not present in population databases (gnomAD no frequency). This variant has not been reported in the literature in individuals affected with BRCA1-related conditions.

Ambry Genetics
Classification: Uncertain significance for Hereditary cancer-predisposing syndrome. Last evaluated: 2019-12-20. Review status: criteria provided, single submitter. Criteria: Ambry Variant Classification Scheme 2023. Collection method: clinical testing. Allele origin: germline.
Comment: The p.N714H variant (also known as c.2140A>C), located in coding exon 9 of the BRCA1 gene, results from an A to C substitution at nucleotide position 2140. The asparagine at codon 714 is replaced by histidine, an amino acid with similar properties. This amino acid position is poorly conserved in available vertebrate species. In addition, this alteration is predicted to be tolerated by in silico analysis. Since supporting evidence is limited at this time, the clinical significance of this alteration remains unclear.